The following is an entry in ClinVar:

ClinVar aggregate classification (germline): Uncertain significance (1 of 4 stars; one submission).

Allele frequency attached by ClinVar (database versions not stated): TOPMed 0.00002.
gnomAD v4.1: 1 of 1,435,802 alleles (0.00007%); highest among the groups gnomAD compares: Non-Finnish European, 0.000091%; no homozygotes.

Submission:

Labcorp Genetics (formerly Invitae), Labcorp
Classification: Uncertain significance. Last evaluated: 2023-03-29. Review status: criteria provided, single submitter. Criteria: Invitae Variant Classification Sherloc (09022015). Collection method: clinical testing. Allele origin: germline.
Comment: In summary, the available evidence is currently insufficient to determine the role of this variant in disease. Therefore, it has been classified as a Variant of Uncertain Significance. An algorithm developed to predict the effect of missense changes on protein structure and function (PolyPhen-2) suggests that this variant is likely to be tolerated. This variant has not been reported in the literature in individuals affected with FGF20-related conditions. This variant is not present in population databases (gnomAD no frequency). This sequence change replaces glycine, which is neutral and non-polar, with arginine, which is basic and polar, at codon 51 of the FGF20 protein (p.Gly51Arg).

NM_019851.3(FGF20):c.151G>C (p.Gly51Arg)

Genes: FGF20 (fibroblast growth factor 20; minus strand), LOC129999926 (ATAC-STARR-seq lymphoblastoid silent region 18958; plus strand). Cytogenetic location: 8p22.
Variant type: single nucleotide variant.
Coding change: c.151G>C on transcript NM_019851.3 (MANE Select); coding-DNA position 151, G replaced by C.
Protein change: p.Gly51Arg; replaces glycine 51 with arginine.
Molecular consequence: missense variant.
Genome position (GRCh38, 1-based): chr8:17,001,882, C>G on the plus strand (G>C on the coding strand, the complement: FGF20 is on the minus strand). VCF-style: chr8-17001882-C-G. GRCh37 (hg19) VCF-style: chr8-16859391-C-G.
Other names: short protein forms G51R.
Identifiers: ClinVar variation 2958709 (VCV002958709.3), dbSNP rs1354870466, ClinGen allele CA370395501.